The following is an entry in ClinVar:

ClinVar aggregate classification (germline): Uncertain significance (1 of 4 stars; one submission).

Conditions:
POLD1-related polyposis and colorectal cancer syndrome (CRCS10). Also called: Colorectal cancer 10; COLORECTAL CANCER, SUSCEPTIBILITY TO, ON CHROMOSOME 19q; Colorectal cancer, susceptibility to, 10. Identifiers: Orphanet 220460, MedGen C2675481, MONDO:0012953, OMIM 612591.

Submission:

Labcorp Genetics (formerly Invitae), Labcorp
Classification: Uncertain significance for POLD1-related polyposis and colorectal cancer syndrome. Last evaluated: 2021-05-18. Review status: criteria provided, single submitter. Criteria: Invitae Variant Classification Sherloc (09022015). Collection method: clinical testing. Allele origin: germline.
Comment: Missense variants that disrupt the 3'-5' exonuclease (proof-reading) activity of the POLD1 protein, while not abolishing its polymerase enzyme activity, are associated with an increased risk for colonic adenomatous polyps and colon cancer (PMID: 23263490, 23447401). Loss-of-function truncating variants, which result in an absent or severely disrupted POLD1 protein, are therefore unlikely to be associated with disease. Without further clinical and genetic evidence, however, this variant has been classified as a Variant of Uncertain Significance. This variant has not been reported in the literature in individuals with POLD1-related disease. This variant is not present in population databases (ExAC no frequency). This sequence change creates a premature translational stop signal (p.Thr642Hisfs*97) in the POLD1 gene. It is expected to result in an absent or disrupted protein product.

Literature cited by the submitters: PubMed 23263490; PubMed 23447401.

NM_002691.4(POLD1):c.1923dup (p.Thr642fs)

Gene: POLD1 (DNA polymerase delta 1, catalytic subunit; plus strand). Cytogenetic location: 19q13.33.
Variant type: Duplication.
Coding change: c.1923dup on transcript NM_002691.4 (MANE Select); coding-DNA position 1923, one base duplicated (C; older notation c.1923dupC).
Protein change: p.Thr642fs; shifts the reading frame from threonine 642.
Molecular consequence: frameshift variant. On other transcripts: non-coding transcript variant (1).
Genome position (GRCh38, 1-based): chr19:50,409,152, C duplicated; the last of 5 consecutive C bases (chr19:50,409,148-50,409,152); duplicating any one gives the same sequence. VCF-style (leftmost placement, unchanged base first): chr19-50409147-A-AC. GRCh37 (hg19) VCF-style: chr19-50912404-A-AC.
Other names: c.1923dup, p.Thr642fs (NM_001256849.1); c.2001dup, p.Thr668fs (NM_001308632.1); short protein forms T642fs, T668fs.
Identifiers: ClinVar variation 1023629 (VCV001023629.8), dbSNP rs2039004032, ClinGen allele CA645606793.